The following is an entry in ClinVar:

ClinVar aggregate classification (germline): Likely benign (1 of 4 stars; one submission).

Allele frequency attached by ClinVar (database versions not stated): gnomAD exomes below 0.00001.
gnomAD v4.1: 4 of 1,614,068 alleles (0.00025%); highest among the groups gnomAD compares: South Asian, 0.0033%; no homozygotes.

Submission:

CeGaT Center for Human Genetics Tuebingen
Classification: Likely benign. Last evaluated: 2023-06-01. Review status: criteria provided, single submitter. Criteria: CeGaT Center For Human Genetics Tuebingen Variant Classification Criteria Version 2. Collection method: clinical testing. Allele origin: germline. Affected: yes. Observed: 1 variant allele.
Comment: FLNB: BP4, BP7

NM_001457.4(FLNB):c.1128C>T (p.Tyr376=)

Gene: FLNB (filamin B; plus strand). Cytogenetic location: 3p14.3.
Variant type: single nucleotide variant.
Coding change: c.1128C>T on transcript NM_001457.4 (MANE Select); coding-DNA position 1128, C replaced by T.
Protein change: p.Tyr376=; no amino-acid change (tyrosine 376 retained).
Molecular consequence: synonymous variant.
Genome position (GRCh38, 1-based): chr3:58,097,958, C>T. VCF-style: chr3-58097958-C-T. GRCh37 (hg19) VCF-style: chr3-58083685-C-T.
Other names: c.1128C>T, p.Tyr376= (NM_001164317.2, NM_001164318.2, NM_001164319.2).
Identifiers: ClinVar variation 2571181 (VCV002571181.27), dbSNP rs1267220739, ClinGen allele CA434022546.